The following is an entry in ClinVar:

NM_025114.4(CEP290):c.-41C>T

Gene: CEP290 (centrosomal protein 290; minus strand). Cytogenetic location: 12q21.32.
Variant type: single nucleotide variant.
Coding change: c.-41C>T on transcript NM_025114.4 (MANE Select); 41 bases upstream of the start codon, C replaced by T.
Molecular consequence: 5 prime UTR variant.
Genome position (GRCh38, 1-based): chr12:88,141,913, G>A on the plus strand (C>T on the coding strand, the complement: CEP290 is on the minus strand). VCF-style: chr12-88141913-G-A. GRCh37 (hg19) VCF-style: chr12-88535690-G-A.
Identifiers: ClinVar variation 310636 (VCV000310636.7), dbSNP rs759820573, ClinGen allele CA10633653.

ClinVar aggregate classification (germline): Conflicting classifications of pathogenicity. Review status: criteria provided, conflicting classifications (1 of 4 stars). 7 submissions from 3 submitters: Uncertain significance (5); Likely benign (1). 1 of the submissions does not count toward it. Last evaluated 2018-01-12.

Conditions:
CEP290-related disorder. Also called: CEP290-related disorders; CEP290-related condition. Identifiers: MedGen CN239314.
Meckel syndrome, type 4 (MKS4). Also called: MECKEL-GRUBER SYNDROME, TYPE 4. Identifiers: Orphanet 564, MedGen C1970161, MONDO:0012626, OMIM 611134.
Senior-Loken syndrome 6 (SLSN6). Identifiers: Orphanet 3156, MedGen C1857779, MONDO:0012433, OMIM 610189.
Joubert syndrome 5 (JBTS5). Identifiers: Orphanet 2318, MedGen C1857780, MONDO:0012432, OMIM 610188.
Bardet-Biedl syndrome 14 (BBS14). Identifiers: Orphanet 110, MedGen C2673874, MONDO:0014442, OMIM 615991.
Leber congenital amaurosis 10 (LCA10). Identifiers: Orphanet 65, MedGen C1857821, MONDO:0012723, OMIM 611755.

Allele frequency attached by ClinVar (database versions not stated): gnomAD 0.00006; TOPMed 0.00038.

Submissions (7):

Illumina Laboratory Services, Illumina
Classification: Uncertain significance for Leber congenital amaurosis 10. Last evaluated: 2018-01-12. Review status: criteria provided, single submitter. Criteria: ICSL Variant Classification Criteria 13 December 2019. Collection method: clinical testing. Allele origin: germline.

Illumina Laboratory Services, Illumina
Classification: Uncertain significance for Meckel syndrome, type 4. Last evaluated: 2018-01-12. Review status: criteria provided, single submitter. Criteria: ICSL Variant Classification Criteria 13 December 2019. Collection method: clinical testing. Allele origin: germline.

Illumina Laboratory Services, Illumina
Classification: Uncertain significance for Bardet-Biedl syndrome 14. Last evaluated: 2018-01-12. Review status: criteria provided, single submitter. Criteria: ICSL Variant Classification Criteria 13 December 2019. Collection method: clinical testing. Allele origin: germline.

Illumina Laboratory Services, Illumina
Classification: Uncertain significance for Senior-Loken syndrome 6. Last evaluated: 2018-01-12. Review status: criteria provided, single submitter. Criteria: ICSL Variant Classification Criteria 13 December 2019. Collection method: clinical testing. Allele origin: germline.

Illumina Laboratory Services, Illumina
Classification: Uncertain significance for Joubert syndrome 5. Last evaluated: 2018-01-12. Review status: criteria provided, single submitter. Criteria: ICSL Variant Classification Criteria 13 December 2019. Collection method: clinical testing. Allele origin: germline.

GeneDx
Classification: Likely benign. Last evaluated: 2016-09-14. Review status: criteria provided, single submitter. Criteria: GeneDx Variant Classification (06012015). Collection method: clinical testing. Allele origin: germline. Affected: yes.
Comment: This variant is considered likely benign or benign based on one or more of the following criteria: it is a conservative change, it occurs at a poorly conserved position in the protein, it is predicted to be benign by multiple in silico algorithms, and/or has population frequency not consistent with disease.

PreventionGenetics, part of Exact Sciences
Classification: Likely benign for CEP290-related condition. Last evaluated: 2021-06-18. Review status: no assertion criteria provided. Collection method: clinical testing. Allele origin: germline. Not counted in ClinVar's aggregate classification.
Comment: This variant is classified as likely benign based on ACMG/AMP sequence variant interpretation guidelines (Richards et al. 2015 PMID: 25741868, with internal and published modifications).